The following is an entry in ClinVar:

NM_006445.4(PRPF8):c.636G>A (p.Pro212=)

Gene: PRPF8 (pre-mRNA processing factor 8; minus strand). Cytogenetic location: 17p13.3.
Variant type: single nucleotide variant.
Coding change: c.636G>A on transcript NM_006445.4 (MANE Select); coding-DNA position 636, G replaced by A.
Protein change: p.Pro212=; no amino-acid change (proline 212 retained).
Molecular consequence: synonymous variant.
Genome position (GRCh38, 1-based): chr17:1,681,837, C>T on the plus strand (G>A on the coding strand, the complement: PRPF8 is on the minus strand). VCF-style: chr17-1681837-C-T. GRCh37 (hg19) VCF-style: chr17-1585131-C-T.
Identifiers: ClinVar variation 1902001 (VCV001902001.28), dbSNP rs143150486, ClinGen allele CA8272587.

ClinVar aggregate classification (germline): Likely benign. Review status: criteria provided, multiple submitters, no conflicts (2 of 4 stars). 3 submissions from 3 submitters: Likely benign (3). Last evaluated 2026-09-01.

Allele frequency attached by ClinVar (database versions not stated): ExAC 0.00002; gnomAD 0.00003; gnomAD exomes 0.00003; ESP Exome Variant Server 0.00008; 1000 Genomes Project 30x 0.00016; 1000 Genomes Project 0.00020.
gnomAD v4.1: 42 of 1,613,984 alleles (0.0026%); highest among the groups gnomAD compares: African/African-American, 0.0053%; no homozygotes.

Submissions (3):

CeGaT Center for Human Genetics Tuebingen
Classification: Likely benign. Last evaluated: 2026-09-01. Review status: criteria provided, single submitter. Criteria: CeGaT Center For Human Genetics Tuebingen Variant Classification Criteria Version 2. Collection method: clinical testing. Allele origin: germline. Affected: yes. Observed: 2 variant alleles.
Comment: PRPF8: BP4, BP7

Blueprint Genetics
Classification: Likely benign. Last evaluated: 2024-11-07. Review status: criteria provided, single submitter. Criteria: ACMG Guidelines, 2015. Collection method: clinical testing. Allele origin: germline.

Labcorp Genetics (formerly Invitae), Labcorp
Classification: Likely benign. Last evaluated: 2022-03-11. Review status: criteria provided, single submitter. Criteria: Invitae Variant Classification Sherloc (09022015). Collection method: clinical testing. Allele origin: germline.